The following is an entry in ClinVar:

NM_000222.3(KIT):c.1648-8C>T

Gene: KIT (KIT proto-oncogene, receptor tyrosine kinase; plus strand). Cytogenetic location: 4q12.
Variant type: single nucleotide variant.
Coding change: c.1648-8C>T on transcript NM_000222.3 (MANE Select); 8 bases into the intron before coding-DNA position 1648, C replaced by T.
Molecular consequence: intron variant.
Genome position (GRCh38, 1-based): chr4:54,727,408, C>T. VCF-style: chr4-54727408-C-T. GRCh37 (hg19) VCF-style: chr4-55593574-C-T.
Other names: c.1651-8C>T (NM_001385284.1, NM_001385290.1); c.1639-8C>T (NM_001385288.1, NM_001385292.1); c.1648-8C>T (NM_001385285.1); c.1636-8C>T (NM_001093772.2, NM_001385286.1).
Identifiers: ClinVar variation 696625 (VCV000696625.13), dbSNP rs949862921, ClinGen allele CA96875643.

ClinVar aggregate classification (germline): Likely benign. Review status: criteria provided, multiple submitters, no conflicts (2 of 4 stars). 3 submissions from 3 submitters: Likely benign (3). Last evaluated 2026-05-27.

Conditions:
Gastrointestinal stromal tumor. Also called: Gastrointestinal stroma tumor; Gastrointestinal stromal tumor, somatic. Identifiers: Orphanet 44890, MedGen C0238198, MeSH D046152, MONDO:0011719, OMIM 606764, HP:0100723.

Allele frequency attached by ClinVar (database versions not stated): gnomAD exomes below 0.00001 and 0.00001; gnomAD 0.00001; TOPMed 0.00001.
gnomAD v4.1: 6 of 1,614,006 alleles (0.00037%); highest among the groups gnomAD compares: Middle Eastern, 0.033%; no homozygotes.

Submissions (3):

Myriad Genetics, Inc.
Classification: Likely benign for Gastrointestinal stromal tumor. Last evaluated: 2026-05-27. Review status: criteria provided, single submitter. Criteria: Myriad Autosomal Dominant, Autosomal Recessive and X-Linked Classification Criteria (2023). Collection method: clinical testing. Allele origin: unknown.
Comment: This variant is considered likely benign. This variant is intronic and is not expected to impact mRNA splicing.

Labcorp Genetics (formerly Invitae), Labcorp
Classification: Likely benign for Gastrointestinal stromal tumor. Last evaluated: 2025-12-15. Review status: criteria provided, single submitter. Criteria: Invitae Variant Classification Sherloc (09022015). Collection method: clinical testing. Allele origin: germline.

Blueprint Genetics
Classification: Likely benign. Last evaluated: 2024-09-06. Review status: criteria provided, single submitter. Criteria: ACMG Guidelines, 2015. Collection method: clinical testing. Allele origin: germline.